The following is an entry in ClinVar:

NM_000020.3(ACVRL1):c.1050_1057del (p.Leu351fs)

Gene: ACVRL1 (activin A receptor like type 1; plus strand). Cytogenetic location: 12q13.13.
Variant type: Deletion.
Coding change: c.1050_1057del on transcript NM_000020.3 (MANE Select); coding-DNA positions 1050 to 1057, 8 bases deleted (CCTGGCTG; older notation c.1050_1057delCCTGGCTG).
Protein change: p.Leu351fs; shifts the reading frame from leucine 351.
Molecular consequence: frameshift variant. On other transcripts: intron variant (1).
Genome position (GRCh38, 1-based): chr12:51,916,037-51,916,044, CCTGGCTG deleted; deleting any 8 consecutive bases within chr12:51,916,036-51,916,044 gives the same sequence; the c. name uses the placement nearest the transcript's 3' end. VCF-style (leftmost placement, unchanged base first): chr12-51916035-GGCCTGGCT-G. GRCh37 (hg19) VCF-style: chr12-52309819-GGCCTGGCT-G.
Other names: c.1050_1057del, p.Leu351fs (NM_001077401.2, NM_001406487.1, NM_001406488.1 and 1 more transcripts); c.738_745del, p.Leu247fs (NM_001406490.1, NM_001406491.1, NM_001406492.1 and 1 more transcripts); c.486_493del, p.Leu163fs (NM_001406495.1); c.736+537_736+544del (NM_001406494.1); short protein forms L247fs, L163fs, L351fs.
Identifiers: ClinVar variation 4735453 (VCV004735453.1).
Genomic context (GRCh38, chr12:51,916,035, plus strand): 5'-GCCTGCCCCCTGGATCCCAGGTTTGGGAGAGGGGCAGGAGTGACAGGCCTCACCCCCACA[GGCCTGGCT>G]GTGATGCACTCACAGGGCAGCGATTACCTGGACATCGGCAACAACCCGAGAGTGGGCACC-3'

ClinVar aggregate classification (germline): Pathogenic (1 of 4 stars; one submission).

Conditions:
Telangiectasia, hereditary hemorrhagic, type 2 (HHT2). Also called: Telangiectasia, hereditary hemorrhagic, type II; ACVRL1-Related Hereditary Hemorrhagic Telangiectasia. Identifiers: Orphanet 774, MedGen C1838163, MONDO:0010880, OMIM 600376. Disease mechanism: loss of function.

Submission:

Labcorp Genetics (formerly Invitae), Labcorp
Classification: Pathogenic for Telangiectasia, hereditary hemorrhagic, type 2. Last evaluated: 2026-01-16. Review status: criteria provided, single submitter. Criteria: Invitae Variant Classification Sherloc (09022015). Collection method: clinical testing. Allele origin: germline.
Comment: This sequence change creates a premature translational stop signal (p.Leu351Aspfs*38) in the ACVRL1 gene. It is expected to result in an absent or disrupted protein product. Loss-of-function variants in ACVRL1 are known to be pathogenic (PMID: 15879500). This variant is not present in population databases (gnomAD no frequency). This variant has not been reported in the literature in individuals affected with ACVRL1-related conditions. Algorithms developed to predict the effect of sequence changes on RNA splicing suggest that this variant may disrupt the consensus splice site. For these reasons, this variant has been classified as Pathogenic.

Literature cited by the submitters: PubMed 15879500.